The following is an entry in ClinVar:

ClinVar aggregate classification (germline): Likely pathogenic. Review status: criteria provided, single submitter (1 of 4 stars). 2 submissions from 2 submitters: Likely pathogenic (1). 1 of the submissions does not count toward it. Last evaluated 2025-04-16.

Conditions:
Retinitis pigmentosa 2 (RP2). Also called: Retinitis pigmentosa 2, X linked. Identifiers: Orphanet 791, MedGen C2681923, MONDO:0010723, OMIM 312600.

Submissions (3):

Labcorp Genetics (formerly Invitae), Labcorp
Classification: Likely pathogenic. Last evaluated: 2025-04-16. Review status: criteria provided, single submitter. Criteria: Invitae Variant Classification Sherloc (09022015). Collection method: clinical testing. Allele origin: germline.
Comment: This sequence change affects a donor splice site in intron 2 of the RP2 gene. It is expected to disrupt RNA splicing. Variants that disrupt the donor or acceptor splice site typically lead to a loss of protein function (PMID: 16199547), and loss-of-function variants in RP2 are known to be pathogenic (PMID: 11992260, 20625056). This variant is not present in population databases (gnomAD no frequency). Disruption of this splice site has been observed in individual(s) with RP2-related conditions (PMID: 36423731). ClinVar contains an entry for this variant (Variation ID: 1184478). Algorithms developed to predict the effect of sequence changes on RNA splicing suggest that this variant may disrupt the consensus splice site. In summary, the currently available evidence indicates that the variant is pathogenic, but additional data are needed to prove that conclusively. Therefore, this variant has been classified as Likely Pathogenic.

Dr. Peter K. Rogan Lab, Western University
No classification provided (evidence only). Condition: Thyroid cancer, nonmedullary, 1. Review status: no classification provided. Collection method: in vitro. Allele origin: not applicable. Functional consequence: retained intron. Not counted in ClinVar's aggregate classification.

Genomics England Pilot Project, Genomics England
Classification: Pathogenic for Retinitis pigmentosa 2. Review status: no assertion criteria provided. Criteria: ACGS Guidelines, 2016. Collection method: clinical testing. Allele origin: germline. Affected: yes. Not counted in ClinVar's aggregate classification.

Literature cited by the submitters: PubMed 16199547 (cited by Labcorp Genetics (formerly Invitae), Labcorp); PubMed 11992260 (cited by Labcorp Genetics (formerly Invitae), Labcorp); PubMed 20625056 (cited by Labcorp Genetics (formerly Invitae), Labcorp); PubMed 36423731 (cited by Labcorp Genetics (formerly Invitae), Labcorp).

NM_006915.3(RP2):c.768+1G>A

Gene: RP2 (RP2 activator of ARL3 GTPase; plus strand). Cytogenetic location: Xp11.3.
Variant type: single nucleotide variant.
Coding change: c.768+1G>A on transcript NM_006915.3 (MANE Select); the canonical splice donor site of the intron after coding-DNA position 768, G replaced by A.
Molecular consequence: splice donor variant.
Genome position (GRCh38, 1-based): chrX:46,854,142, G>A. VCF-style: chrX-46854142-G-A. GRCh37 (hg19) VCF-style: chrX-46713577-G-A.
Identifiers: ClinVar variation 1184478 (VCV001184478.8), dbSNP rs1924915809, ClinGen allele CA413040675.